The following is an entry in ClinVar:

ClinVar aggregate classification (germline): Likely pathogenic (1 of 4 stars; one submission).

Conditions:
Hereditary cancer-predisposing syndrome. Also called: Neoplastic Syndromes, Hereditary; Tumor predisposition; Hereditary neoplastic syndrome; Hereditary Cancer Syndrome. Identifiers: Orphanet 140162, MedGen C0027672, MeSH D009386, MONDO:0015356.

Submission:

Ambry Genetics
Classification: Likely pathogenic for Hereditary cancer-predisposing syndrome. Last evaluated: 2025-06-17. Review status: criteria provided, single submitter. Criteria: Ambry Variant Classification Scheme 2023. Collection method: clinical testing. Allele origin: germline.
Comment: The c.9022_9030delCGTGTCTTA variant (also known as p.R3008_L3010del) is located in coding exon 62 of the ATM gene. This variant results from an in-frame CGTGTCTTA deletion at nucleotide positions 9022 to 9030. This results in the in-frame deletion of three amino acids at codon positions 3008 to 3010. This amino acid region is highly conserved in available vertebrate species and the impacted region is critical for protein function (Ambry internal data). In addition, this variant is predicted to be deleterious by in silico analysis (Choi Y et al. PLoS ONE. 2012; 7(10):e46688). Based on the majority of available evidence to date, this variant is likely to be pathogenic.

NM_000051.4(ATM):c.9022_9030del (p.Arg3008_Leu3010del)

Genes: ATM (ATM serine/threonine kinase; plus strand), C11orf65 (chromosome 11 open reading frame 65; minus strand). Cytogenetic location: 11q22.3.
Variant type: Deletion.
Coding change: c.9022_9030del on transcript NM_000051.4 (MANE Select); coding-DNA positions 9022 to 9030, 9 bases deleted (CGTGTCTTA; older notation c.9022_9030delCGTGTCTTA).
Protein change: p.Arg3008_Leu3010del.
Molecular consequence: inframe deletion. On other transcripts: intron variant (2).
Genome position (GRCh38, 1-based): chr11:108,365,359-108,365,367, CGTGTCTTA deleted; deleting any 9 consecutive bases within chr11:108,365,358-108,365,367 gives the same sequence; the c. name uses the placement nearest the transcript's 3' end. VCF-style (leftmost placement, unchanged base first): chr11-108365357-AACGTGTCTT-A. GRCh37 (hg19) VCF-style: chr11-108236084-AACGTGTCTT-A.
Other names: c.9022_9030del, p.Arg3008_Leu3010del (NM_001351834.2); c.640+20554_640+20562del (NM_001330368.2); c.694+20554_694+20562del (NM_001351110.2).
Identifiers: ClinVar variation 4168738 (VCV004168738.1).